The following is an entry in ClinVar:

ClinVar aggregate classification (germline): Pathogenic (1 of 4 stars; one submission).

Submission:

Labcorp Genetics (formerly Invitae), Labcorp
Classification: Pathogenic. Last evaluated: 2024-11-11. Review status: criteria provided, single submitter. Criteria: Invitae Variant Classification Sherloc (09022015). Collection method: clinical testing. Allele origin: germline.
Comment: This sequence change creates a premature translational stop signal (p.Glu272*) in the ERCC6 gene. It is expected to result in an absent or disrupted protein product. Loss-of-function variants in ERCC6 are known to be pathogenic (PMID: 18628313, 29572252). This variant is not present in population databases (gnomAD no frequency). This variant has not been reported in the literature in individuals affected with ERCC6-related conditions. ClinVar contains an entry for this variant (Variation ID: 2014075). For these reasons, this variant has been classified as Pathogenic.

Literature cited by the submitters: PubMed 18628313; PubMed 29572252.

NM_000124.4(ERCC6):c.814G>T (p.Glu272Ter)

Gene: ERCC6 (ERCC excision repair 6, chromatin remodeling factor; minus strand). Cytogenetic location: 10q11.23.
Variant type: single nucleotide variant.
Coding change: c.814G>T on transcript NM_000124.4 (MANE Select); coding-DNA position 814, G replaced by T.
Protein change: p.Glu272Ter; replaces glutamic acid 272 with a stop codon.
Molecular consequence: nonsense.
Genome position (GRCh38, 1-based): chr10:49,524,616, C>A on the plus strand (G>T on the coding strand, the complement: ERCC6 is on the minus strand). VCF-style: chr10-49524616-C-A. GRCh37 (hg19) VCF-style: chr10-50732662-C-A.
Other names: c.814G>T, p.Glu272Ter (NM_001277058.2, NM_001277059.2, NM_001346440.2); short protein forms E272*.
Identifiers: ClinVar variation 2014075 (VCV002014075.4), dbSNP rs768589918, ClinGen allele CA376754637.